The following is an entry in ClinVar:

ClinVar aggregate classification (germline): Uncertain significance. Review status: criteria provided, multiple submitters, no conflicts (2 of 4 stars). 4 submissions from 3 submitters: Uncertain significance (4). Last evaluated 2024-10-23.

Conditions:
Lethal Kniest-like syndrome (DDSH). Also called: Dyssegmental Dysplasia. Identifiers: Orphanet 1865, MedGen C1857100, MONDO:0009140, OMIM 224410.
Schwartz-Jampel syndrome. Also called: Myotonic myopathy dwarfism chondrodystrophy and ocular and facial abnormalities. Identifiers: Orphanet 800, MedGen C0036391, MONDO:0009717.

Allele frequency attached by ClinVar (database versions not stated): gnomAD 0.00004 and 0.00005; TOPMed 0.00007; ESP Exome Variant Server 0.00008; gnomAD exomes 0.00008 and 0.00010; ExAC 0.00013.
gnomAD v4.1: 131 of 1,613,936 alleles (0.0081%); highest among the groups gnomAD compares: Admixed American, 0.01%; no homozygotes.

Submissions (4):

Labcorp Genetics (formerly Invitae), Labcorp
Classification: Uncertain significance. Last evaluated: 2024-10-23. Review status: criteria provided, single submitter. Criteria: Invitae Variant Classification Sherloc (09022015). Collection method: clinical testing. Allele origin: germline.
Comment: This sequence change replaces threonine, which is neutral and polar, with serine, which is neutral and polar, at codon 200 of the HSPG2 protein (p.Thr200Ser). This variant is present in population databases (rs199604790, gnomAD 0.02%). This variant has not been reported in the literature in individuals affected with HSPG2-related conditions. ClinVar contains an entry for this variant (Variation ID: 874119). An algorithm developed to predict the effect of missense changes on protein structure and function (PolyPhen-2) suggests that this variant is likely to be disruptive. In summary, the available evidence is currently insufficient to determine the role of this variant in disease. Therefore, it has been classified as a Variant of Uncertain Significance.

Revvity Omics, Revvity
Classification: Uncertain significance. Last evaluated: 2019-03-27. Review status: criteria provided, single submitter. Criteria: ACMG Guidelines, 2015. Collection method: clinical testing. Allele origin: germline.

Illumina Laboratory Services, Illumina
Classification: Uncertain significance for Lethal Kniest-like syndrome. Last evaluated: 2018-01-13. Review status: criteria provided, single submitter. Criteria: ICSL Variant Classification Criteria 13 December 2019. Collection method: clinical testing. Allele origin: germline.

Illumina Laboratory Services, Illumina
Classification: Uncertain significance for Schwartz-Jampel syndrome type 1. Last evaluated: 2018-01-13. Review status: criteria provided, single submitter. Criteria: ICSL Variant Classification Criteria 13 December 2019. Collection method: clinical testing. Allele origin: germline.

NM_005529.7(HSPG2):c.598A>T (p.Thr200Ser)

Gene: HSPG2 (heparan sulfate proteoglycan 2; minus strand). Cytogenetic location: 1p36.12.
Variant type: single nucleotide variant.
Coding change: c.598A>T on transcript NM_005529.7 (MANE Select); coding-DNA position 598, A replaced by T.
Protein change: p.Thr200Ser; replaces threonine 200 with serine.
Molecular consequence: missense variant.
Genome position (GRCh38, 1-based): chr1:21,888,043, T>A on the plus strand (A>T on the coding strand, the complement: HSPG2 is on the minus strand). VCF-style: chr1-21888043-T-A. GRCh37 (hg19) VCF-style: chr1-22214536-T-A.
Other names: c.598A>T, p.Thr200Ser (NM_001291860.2); short protein forms T200S.
Identifiers: ClinVar variation 874119 (VCV000874119.12), dbSNP rs199604790, ClinGen allele CA673756.
Genomic context (GRCh38, chr1:21,888,043, plus strand): 5'-CACAGCGATACTCCAGGGCCACACACTCATTGTAGCTGTGGCAGGCAAACTCGGCCTCCG[T>A]GCAGGCTCTTGGGAACTGGGGCACTGCAGGTGGAAAGGAAGCAGACTGGAGTCAGAGGCG-3'
Protein context (NP_005520.4, residues 190-210): GTVPQFPRAC[Thr200Ser]EAEFACHSYN